The following is an entry in ClinVar:

ClinVar aggregate classification (germline): Likely pathogenic (1 of 4 stars; one submission).

Conditions:
Autosomal recessive nonsyndromic hearing loss 23. Identifiers: Orphanet 90636, MedGen C1836027, MONDO:0012293, OMIM 609533.

Submission:

Institute of Rare Diseases, West China Hospital, Sichuan University
Classification: Likely pathogenic for Autosomal recessive nonsyndromic hearing loss 23. Last evaluated: 2025-01-09. Review status: criteria provided, single submitter. Criteria: ClinGen HL ACMG Specifications v1. Collection method: research. Allele origin: germline. Affected: yes.
Comment: PVS1;PM2_Supporting

NM_001384140.1(PCDH15):c.3946dup (p.Gln1316fs)

Gene: PCDH15 (protocadherin related 15; minus strand). Cytogenetic location: 10q21.1.
Variant type: Duplication.
Coding change: c.3946dup on transcript NM_001384140.1 (MANE Select); coding-DNA position 3946, one base duplicated (C; older notation c.3946dupC).
Protein change: p.Gln1316fs; shifts the reading frame from glutamine 1316.
Molecular consequence: frameshift variant.
Genome position (GRCh38, 1-based): chr10:53,840,357, G duplicated on the plus strand (C on the coding strand, the reverse complement: PCDH15 is on the minus strand); the first of 5 consecutive G bases (chr10:53,840,357-53,840,361); duplicating any one gives the same sequence. VCF-style (leftmost placement, unchanged base first): chr10-53840356-T-TG. GRCh37 (hg19) VCF-style: chr10-55600116-T-TG.
Other names: c.3961dup, p.Gln1321fs (NM_001142763.2, NM_001142771.2); c.3946dup, p.Gln1316fs (NM_001142764.2, NM_001142766.2, NM_001142770.3 and 4 more transcripts); c.3733dup, p.Gln1245fs (NM_001142765.2); c.3835dup, p.Gln1279fs (NM_001142767.2); c.3880dup, p.Gln1294fs (NM_001142768.2, NM_001142773.2, NM_001354404.2); c.3978dup, p.Gln1328Profs (NM_001142769.4); c.3967dup, p.Gln1323fs (NM_001354411.2); short protein forms Q1245fs, Q1279fs, Q1294fs, Q1316fs, Q1321fs, Q1323fs, Q1328fs.
Identifiers: ClinVar variation 3601619 (VCV003601619.1).